The following is an entry in ClinVar:

ClinVar aggregate classification (germline): Benign. Review status: criteria provided, multiple submitters, no conflicts (2 of 4 stars). 2 submissions from 2 submitters: Benign (2). Last evaluated 2018-01-13.

Conditions:
Hereditary spastic paraplegia 4. Also called: Spastic paraplegia 4, autosomal dominant; Spastic Paraplegia 4; Familial spastic paraplegia autosomal dominant 2. Identifiers: Orphanet 100985, MedGen C1866855, MONDO:0008438, OMIM 182601.

Allele frequency attached by ClinVar (database versions not stated): gnomAD 0.00959 and 0.01008; 1000 Genomes Project 0.01038; 1000 Genomes Project 30x 0.01046; TOPMed 0.01161.

Submissions (2):

Illumina Laboratory Services, Illumina
Classification: Benign for Hereditary spastic paraplegia 4. Last evaluated: 2018-01-13. Review status: criteria provided, single submitter. Criteria: ICSL Variant Classification Criteria 13 December 2019. Collection method: clinical testing. Allele origin: germline.
Comment: This variant was observed in the ICSL laboratory as part of a predisposition screen in an ostensibly healthy population. It had not been previously curated by ICSL or reported in the Human Gene Mutation Database (HGMD: prior to June 1st, 2018), and was therefore a candidate for classification through an automated scoring system. Utilizing variant allele frequency, disease prevalence and penetrance estimates, and inheritance mode, an automated score was calculated to assess if this variant is too frequent to cause the disease. Based on the score and internal cut-off values, a variant classified as benign is not then subjected to further curation. The score for this variant resulted in a classification of benign for this disease.

Breakthrough Genomics
Classification: Benign. Review status: criteria provided, single submitter. Criteria: ACMG Guidelines, 2015. Collection method: not provided. Allele origin: germline. Inheritance: Autosomal dominant inheritance. Affected: yes.

NM_014946.4(SPAST):c.*1963A>G

Gene: SPAST (spastin; plus strand). Cytogenetic location: 2p22.3.
Variant type: single nucleotide variant.
Coding change: c.*1963A>G on transcript NM_014946.4 (MANE Select); 1963 bases downstream of the stop codon, A replaced by G.
Molecular consequence: 3 prime UTR variant.
Genome position (GRCh38, 1-based): chr2:32,156,459, A>G. VCF-style: chr2-32156459-A-G. GRCh37 (hg19) VCF-style: chr2-32381528-A-G.
Other names: c.*1963A>G (NM_001363823.2, NM_001363875.2, NM_199436.2); c.*2087A>G (NM_001377959.1).
Identifiers: ClinVar variation 335872 (VCV000335872.6), dbSNP rs192476121, ClinGen allele CA10613729.